The following is an entry in ClinVar:

ClinVar aggregate classification (germline): Uncertain significance (1 of 4 stars; one submission).

Conditions:
Hereditary hemorrhagic telangiectasia (HHT). Also called: ORW DISEASE; Osler Weber Rendu syndrome; OSLER-RENDU-WEBER DISEASE; Osler hemorrhagic telangiectasia syndrome. Identifiers: Orphanet 774, MedGen C0039445, MONDO:0019180. Disease mechanism: loss of function.

gnomAD v4.1: 1 of 1,614,200 alleles (0.000062%); highest among the groups gnomAD compares: Non-Finnish European, 0.000085%; no homozygotes.

Submission:

Labcorp Genetics (formerly Invitae), Labcorp
Classification: Uncertain significance for Hereditary hemorrhagic telangiectasia. Last evaluated: 2023-12-20. Review status: criteria provided, single submitter. Criteria: Invitae Variant Classification Sherloc (09022015). Collection method: clinical testing. Allele origin: germline.
Comment: This sequence change replaces methionine, which is neutral and non-polar, with threonine, which is neutral and polar, at codon 570 of the ENG protein (p.Met570Thr). This variant is not present in population databases (gnomAD no frequency). This variant has not been reported in the literature in individuals affected with ENG-related conditions. Advanced modeling of protein sequence and biophysical properties (such as structural, functional, and spatial information, amino acid conservation, physicochemical variation, residue mobility, and thermodynamic stability) performed at Invitae indicates that this missense variant is not expected to disrupt ENG protein function with a negative predictive value of 95%. In summary, the available evidence is currently insufficient to determine the role of this variant in disease. Therefore, it has been classified as a Variant of Uncertain Significance.

NM_001114753.3(ENG):c.1709T>C (p.Met570Thr)

Genes: ENG (endoglin; minus strand), LOC102723566 (uncharacterized LOC102723566; plus strand). Cytogenetic location: 9q34.11.
Variant type: single nucleotide variant.
Coding change: c.1709T>C on transcript NM_001114753.3 (MANE Select); coding-DNA position 1709, T replaced by C.
Protein change: p.Met570Thr; replaces methionine 570 with threonine.
Molecular consequence: missense variant. On other transcripts: non-coding transcript variant (1).
Genome position (GRCh38, 1-based): chr9:127,817,181, A>G on the plus strand (T>C on the coding strand, the complement: ENG is on the minus strand). VCF-style: chr9-127817181-A-G. GRCh37 (hg19) VCF-style: chr9-130579460-A-G.
Other names: c.1709T>C, p.Met570Thr (NM_000118.4); c.1163T>C, p.Met388Thr (NM_001278138.2); short protein forms M570T, M388T.
Identifiers: ClinVar variation 3020149 (VCV003020149.3), dbSNP rs2539056798, ClinGen allele CA374973614.